The following is an entry in ClinVar:

NM_018706.7(DHTKD1):c.287T>C (p.Leu96Pro)

Gene: DHTKD1 (dehydrogenase E1 and transketolase domain containing 1; plus strand). Cytogenetic location: 10p14.
Variant type: single nucleotide variant.
Coding change: c.287T>C on transcript NM_018706.7 (MANE Select); coding-DNA position 287, T replaced by C.
Protein change: p.Leu96Pro; replaces leucine 96 with proline.
Molecular consequence: missense variant.
Genome position (GRCh38, 1-based): chr10:12,081,604, T>C. VCF-style: chr10-12081604-T-C. GRCh37 (hg19) VCF-style: chr10-12123603-T-C.
Other names: short protein forms L96P.
Identifiers: ClinVar variation 2962582 (VCV002962582.3), dbSNP rs140768224, ClinGen allele CA5407488.

ClinVar aggregate classification (germline): Uncertain significance (1 of 4 stars; one submission).

Conditions:
2-aminoadipic 2-oxoadipic aciduria (AAKAD). Also called: Aminoadipic aciduria; ALPHA-AMINOADIPIC AND ALPHA-KETOADIPIC ACIDURIA. Identifiers: Orphanet 79154, MedGen C1859817, MONDO:0008774, OMIM 204750.

Allele frequency attached by ClinVar (database versions not stated): TOPMed below 0.00001; ExAC 0.00002; ESP Exome Variant Server 0.00008.

Submission:

Labcorp Genetics (formerly Invitae), Labcorp
Classification: Uncertain significance for 2-aminoadipic 2-oxoadipic aciduria. Last evaluated: 2025-06-12. Review status: criteria provided, single submitter. Criteria: Invitae Variant Classification Sherloc (09022015). Collection method: clinical testing. Allele origin: germline.
Comment: This sequence change replaces leucine, which is neutral and non-polar, with proline, which is neutral and non-polar, at codon 96 of the DHTKD1 protein (p.Leu96Pro). This variant is not present in population databases (gnomAD no frequency). This variant has not been reported in the literature in individuals affected with DHTKD1-related conditions. ClinVar contains an entry for this variant (Variation ID: 2962582). Invitae Evidence Modeling of protein sequence and biophysical properties (such as structural, functional, and spatial information, amino acid conservation, physicochemical variation, residue mobility, and thermodynamic stability) indicates that this missense variant is not expected to disrupt DHTKD1 protein function with a negative predictive value of 80%. In summary, the available evidence is currently insufficient to determine the role of this variant in disease. Therefore, it has been classified as a Variant of Uncertain Significance.